The following is an entry in ClinVar:

NM_013444.4(UBQLN2):c.82G>C (p.Ala28Pro)

Gene: UBQLN2 (ubiquilin 2; plus strand). Cytogenetic location: Xp11.21.
Variant type: single nucleotide variant.
Coding change: c.82G>C on transcript NM_013444.4 (MANE Select); coding-DNA position 82, G replaced by C.
Protein change: p.Ala28Pro; replaces alanine 28 with proline.
Molecular consequence: missense variant.
Genome position (GRCh38, 1-based): chrX:56,563,955, G>C. VCF-style: chrX-56563955-G-C. GRCh37 (hg19) VCF-style: chrX-56590388-G-C.
Other names: c.82G>C (NM_013444.3); short protein forms A28P.
Identifiers: ClinVar variation 1422203 (VCV001422203.8), dbSNP rs1459753673, ClinGen allele CA413377522.

ClinVar aggregate classification (germline): Uncertain significance. Review status: criteria provided, single submitter (1 of 4 stars). 2 submissions from 2 submitters: Uncertain significance (1). 1 of the submissions does not count toward it. Last evaluated 2024-03-29.

Conditions:
UBQLN2-related disorder. Also called: UBQLN2-related condition.
Amyotrophic lateral sclerosis type 15. Also called: AMYOTROPHIC LATERAL SCLEROSIS 15 WITH FRONTOTEMPORAL DEMENTIA. Identifiers: Orphanet 803, MedGen C3275459, MONDO:0010459, OMIM 300857.

Allele frequency attached by ClinVar (database versions not stated): gnomAD 0.00001; TOPMed 0.00001; gnomAD exomes 0.00002.
gnomAD v4.1: 27 of 1,161,790 alleles (0.0023%); highest among the groups gnomAD compares: Non-Finnish European, 0.0031%; no homozygotes.

Submissions (2):

Labcorp Genetics (formerly Invitae), Labcorp
Classification: Uncertain significance for Amyotrophic lateral sclerosis type 15. Last evaluated: 2024-03-29. Review status: criteria provided, single submitter. Criteria: Invitae Variant Classification Sherloc (09022015). Collection method: clinical testing. Allele origin: germline.
Comment: This sequence change replaces alanine, which is neutral and non-polar, with proline, which is neutral and non-polar, at codon 28 of the UBQLN2 protein (p.Ala28Pro). This variant is present in population databases (no rsID available, gnomAD 0.005%), including at least one homozygous and/or hemizygous individual. This variant has not been reported in the literature in individuals affected with UBQLN2-related conditions. ClinVar contains an entry for this variant (Variation ID: 1422203). Experimental studies and prediction algorithms are not available or were not evaluated, and the functional significance of this variant is currently unknown. In summary, the available evidence is currently insufficient to determine the role of this variant in disease. Therefore, it has been classified as a Variant of Uncertain Significance.

PreventionGenetics, part of Exact Sciences
Classification: Uncertain significance for UBQLN2-related condition. Last evaluated: 2024-06-18. Review status: no assertion criteria provided. Collection method: clinical testing. Allele origin: germline. Not counted in ClinVar's aggregate classification.
Comment: The UBQLN2 c.82G>C variant is predicted to result in the amino acid substitution p.Ala28Pro. To our knowledge, this variant has not been reported in the literature. This variant is reported in 0.0049% of alleles in individuals of European (Non-Finnish) descent in gnomAD. At this time, the clinical significance of this variant is uncertain due to the absence of conclusive functional and genetic evidence.